The following is an entry in ClinVar:

NM_016373.4(WWOX):c.183C>G (p.Tyr61Ter)

Gene: WWOX (WW domain containing oxidoreductase; plus strand). Cytogenetic location: 16q23.1.
Variant type: single nucleotide variant.
Coding change: c.183C>G on transcript NM_016373.4 (MANE Select); coding-DNA position 183, C replaced by G.
Protein change: p.Tyr61Ter; replaces tyrosine 61 with a stop codon.
Molecular consequence: nonsense. On other transcripts: 5 prime UTR variant (1), non-coding transcript variant (1).
Genome position (GRCh38, 1-based): chr16:78,109,788, C>G. VCF-style: chr16-78109788-C-G. GRCh37 (hg19) VCF-style: chr16-78143685-C-G.
Other names: c.-157C>G (NM_001291997.2); c.183C>G, p.Tyr61Ter (NM_130791.5); short protein forms Y61*.
Identifiers: ClinVar variation 3366925 (VCV003366925.2).
Genomic context (GRCh38, chr16:78,109,788, plus strand): 5'-GGTCTTTACTTCTCCCTGGCACCTGTAGACCTGTCTTTCTTGTGTTTCAGATTTGCCATA[C>G]GGATGGGAACAAGAAACTGATGAGAACGGACAAGTGTTTTTTGTTGAGTAAGTGTCTGCA-3'

ClinVar aggregate classification (germline): Pathogenic. Review status: criteria provided, multiple submitters, no conflicts (2 of 4 stars). 2 submissions from 2 submitters: Pathogenic (2). Last evaluated 2025-12-19.

Conditions:
Developmental and epileptic encephalopathy, 28 (DEE28). Also called: Epileptic encephalopathy, early infantile, 28. Identifiers: Orphanet 442835, MedGen C4015519, MONDO:0014533, OMIM 616211.
Autosomal recessive spinocerebellar ataxia 12. Also called: SPINOCEREBELLAR ATAXIA WITH MENTAL RETARDATION AND EPILEPSY. Identifiers: Orphanet 284282, MedGen C3280452, MONDO:0013687, OMIM 614322.
Developmental and epileptic encephalopathy, 1 (DEE1). Also called: X-linked infantile spasms; West's syndrome; Tonic spasms with clustering, arrest of psychomotor development and hypsarrhythmia on EEG; X-Linked Infantile Spasm Syndrome; OHTAHARA SYNDROME, X-LINKED; Epileptic encephalopathy, early infantile, 1. Identifiers: MedGen C3463992, MONDO:0010632, OMIM 308350. Disease mechanism: loss of function.

gnomAD v4.1: 2 of 1,614,028 alleles (0.00012%); highest among the groups gnomAD compares: Admixed American, 0.0017%; no homozygotes.

Submissions (2):

Labcorp Genetics (formerly Invitae), Labcorp
Classification: Pathogenic for Developmental and epileptic encephalopathy, 1; Autosomal recessive spinocerebellar ataxia 12. Last evaluated: 2025-12-19. Review status: criteria provided, single submitter. Criteria: Invitae Variant Classification Sherloc (09022015). Collection method: clinical testing. Allele origin: germline.
Comment: This sequence change creates a premature translational stop signal (p.Tyr61*) in the WWOX gene. It is expected to result in an absent or disrupted protein product. Loss-of-function variants in WWOX are known to be pathogenic (PMID: 24456803, 25411445). This variant is not present in population databases (gnomAD no frequency). This premature translational stop signal has been observed in individual(s) with developmental and epileptic encephalopathy (PMID: 40875931). ClinVar contains an entry for this variant (Variation ID: 3366925). For these reasons, this variant has been classified as Pathogenic.

Kids Research, The Children's Hospital at Westmead
Classification: Pathogenic for Developmental and epileptic encephalopathy, 28. Last evaluated: 2024-09-20. Review status: criteria provided, single submitter. Criteria: ACMG Guidelines, 2015. Collection method: research. Allele origin: germline. Affected: yes.
Comment: PVS1, PM2, PM3, PS1

Literature cited by the submitters: PubMed 24456803 (cited by Labcorp Genetics (formerly Invitae), Labcorp); PubMed 25411445 (cited by Labcorp Genetics (formerly Invitae), Labcorp); PubMed 40875931 (cited by Labcorp Genetics (formerly Invitae), Labcorp).